The following is an entry in ClinVar:

NM_006218.4(PIK3CA):c.1422G>T (p.Glu474Asp)

Gene: PIK3CA (phosphatidylinositol-4,5-bisphosphate 3-kinase catalytic subunit alpha; plus strand). Cytogenetic location: 3q26.32.
Variant type: single nucleotide variant.
Coding change: c.1422G>T on transcript NM_006218.4 (MANE Select); coding-DNA position 1422, G replaced by T.
Protein change: p.Glu474Asp; replaces glutamic acid 474 with aspartic acid.
Molecular consequence: missense variant.
Genome position (GRCh38, 1-based): chr3:179,210,448, G>T. VCF-style: chr3-179210448-G-T. GRCh37 (hg19) VCF-style: chr3-178928236-G-T.
Other names: short protein forms E474D.
Identifiers: ClinVar variation 1772295 (VCV001772295.2), dbSNP rs2108401247, ClinGen allele CA355262278.

ClinVar aggregate classification (germline): Uncertain significance (1 of 4 stars; one submission).

Conditions:
Inborn genetic diseases. Identifiers: MedGen C0950123, MeSH D030342.

Submission:

Ambry Genetics
Classification: Uncertain significance for Inborn genetic diseases. Last evaluated: 2022-02-28. Review status: criteria provided, single submitter. Criteria: Ambry Variant Classification Scheme 2023. Collection method: clinical testing. Allele origin: germline.
Comment: The p.E474D variant (also known as c.1422G>T), located in coding exon 8 of the PIK3CA gene, results from a G to T substitution at nucleotide position 1422. The glutamic acid at codon 474 is replaced by aspartic acid, an amino acid with highly similar properties. This amino acid position is conserved. In addition, the in silico prediction for this alteration is inconclusive. Since supporting evidence is limited at this time, the clinical significance of this alteration remains unclear.